The following is an entry in ClinVar:

NM_007294.4(BRCA1):c.4398_4399insA (p.Gln1467fs)

Gene: BRCA1 (BRCA1 DNA repair associated; minus strand). Cytogenetic location: 17q21.31.
Variant type: Insertion.
Coding change: c.4398_4399insA on transcript NM_007294.4 (MANE Select); coding-DNA positions 4398 to 4399, A inserted.
Protein change: p.Gln1467fs; shifts the reading frame from glutamine 1467.
Molecular consequence: frameshift variant. On other transcripts: non-coding transcript variant (1).
Genome position: GRCh38 VCF-style: chr17-43076573-G-GT. GRCh37 (hg19) VCF-style: chr17-41228590-G-GT.
Other names: c.4134_4135insA, p.Gln1379Thrfs (NM_001407920.1, NM_001407921.1, NM_001407922.1 and 4 more transcripts); c.4131_4132insA, p.Gln1378Thrfs (NM_001407927.1, NM_001407928.1, NM_001407929.1 and 4 more transcripts); c.4128_4129insA, p.Gln1377Thrfs (NM_001407934.1, NM_001407935.1, NM_001407936.1); c.4275_4276insA, p.Gln1426Thrfs (NM_001407937.1, NM_001407938.1, NM_001407664.1 and 6 more transcripts); c.4272_4273insA, p.Gln1425Thrfs (NM_001407939.1, NM_001407940.1, NM_001407670.1 and 11 more transcripts); c.4269_4270insA, p.Gln1424Thrfs (NM_001407941.1, NM_001407681.1, NM_001407682.1 and 6 more transcripts); c.4257_4258insA, p.Gln1420Thrfs (NM_001407942.1, NM_001407692.1, NM_001407694.1 and 12 more transcripts); c.4254_4255insA, p.Gln1419Thrfs (NM_001407943.1, NM_001407944.1, NM_001407945.1 and 21 more transcripts); and 71 more; short protein forms Q1488fs, Q1467fs, Q1420fs, Q363fs.
Identifiers: ClinVar variation 548299 (VCV000548299.2), dbSNP rs1555582663, ClinGen allele CA658825016.

ClinVar aggregate classification (germline): Pathogenic (3 of 4 stars; one submission).

Conditions:
Breast-ovarian cancer, familial, susceptibility to, 1 (BROVCA1). Also called: BRCA1 Hereditary Breast and Ovarian Cancer; OVARIAN CANCER, SUSCEPTIBILITY TO. Identifiers: Orphanet 145, MedGen C2676676, MONDO:0011450, OMIM 604370. Disease mechanism: loss of function.

Submission:

Evidence-based Network for the Interpretation of Germline Mutant Alleles (ENIGMA)
Classification: Pathogenic for Breast-ovarian cancer, familial, susceptibility to, 1. Last evaluated: 2017-12-15. Review status: reviewed by expert panel. Criteria: ENIGMA BRCA1/2 Classification Criteria (2017-06-29). Collection method: curation. Allele origin: germline. Study: ENIGMA.
Comment: Variant allele predicted to encode a truncated non-functional protein.